The following is an entry in ClinVar:

ClinVar aggregate classification (germline): Uncertain significance (1 of 4 stars; one submission).

Allele frequency attached by ClinVar (database versions not stated): gnomAD exomes below 0.00001.
gnomAD v4.1: 1 of 1,613,400 alleles (0.000062%); highest among the groups gnomAD compares: South Asian, 0.0011%; no homozygotes.

Submission:

Labcorp Genetics (formerly Invitae), Labcorp
Classification: Uncertain significance. Last evaluated: 2022-05-20. Review status: criteria provided, single submitter. Criteria: Invitae Variant Classification Sherloc (09022015). Collection method: clinical testing. Allele origin: germline.
Comment: This variant is not present in population databases (gnomAD no frequency). This variant has not been reported in the literature in individuals affected with VCAN-related conditions. Algorithms developed to predict the effect of missense changes on protein structure and function output the following: SIFT: "Tolerated"; PolyPhen-2: "Benign"; Align-GVGD: "Class C0". The glutamine amino acid residue is found in multiple mammalian species, which suggests that this missense change does not adversely affect protein function. In summary, the available evidence is currently insufficient to determine the role of this variant in disease. Therefore, it has been classified as a Variant of Uncertain Significance. This sequence change replaces histidine, which is basic and polar, with glutamine, which is neutral and polar, at codon 19 of the VCAN protein (p.His19Gln).

NM_004385.5(VCAN):c.57T>G (p.His19Gln)

Gene: VCAN (versican; plus strand). Cytogenetic location: 5q14.2.
Variant type: single nucleotide variant.
Coding change: c.57T>G on transcript NM_004385.5 (MANE Select); coding-DNA position 57, T replaced by G.
Protein change: p.His19Gln; replaces histidine 19 with glutamine.
Molecular consequence: missense variant.
Genome position (GRCh38, 1-based): chr5:83,483,575, T>G. VCF-style: chr5-83483575-T-G. GRCh37 (hg19) VCF-style: chr5-82779394-T-G.
Other names: c.57T>G, p.His19Gln (NM_001126336.3, NM_001164097.2, NM_001164098.2); short protein forms H19Q.
Identifiers: ClinVar variation 2120742 (VCV002120742.4), dbSNP rs1561225260, ClinGen allele CA360293218.